The following is an entry in ClinVar:

ClinVar aggregate classification (germline): Uncertain significance (1 of 4 stars; one submission).

Conditions:
Hyperaldosteronism, familial, type IV (HALD4). Also called: FH IV; ALDOSTERONISM, PRIMARY, AND HYPERTENSION. Identifiers: Orphanet 642671, MedGen C4310756, MONDO:0014875, OMIM 617027.
Idiopathic generalized epilepsy. Also called: Generalised epilepsy; EIG. Identifiers: MedGen C0270850, MONDO:0005579, OMIM 600669.

Submission:

Labcorp Genetics (formerly Invitae), Labcorp
Classification: Uncertain significance for Idiopathic generalized epilepsy; Hyperaldosteronism, familial, type IV. Last evaluated: 2022-02-08. Review status: criteria provided, single submitter. Criteria: Invitae Variant Classification Sherloc (09022015). Collection method: clinical testing. Allele origin: germline.
Comment: This sequence change replaces alanine, which is neutral and non-polar, with valine, which is neutral and non-polar, at codon 578 of the CACNA1H protein (p.Ala578Val). This variant is not present in population databases (gnomAD no frequency). This variant has not been reported in the literature in individuals affected with CACNA1H-related conditions. Advanced modeling of protein sequence and biophysical properties (such as structural, functional, and spatial information, amino acid conservation, physicochemical variation, residue mobility, and thermodynamic stability) performed at Invitae indicates that this missense variant is not expected to disrupt CACNA1H protein function. In summary, the available evidence is currently insufficient to determine the role of this variant in disease. Therefore, it has been classified as a Variant of Uncertain Significance.

NM_021098.3(CACNA1H):c.1733C>T (p.Ala578Val)

Gene: CACNA1H (calcium voltage-gated channel subunit alpha1 H; plus strand). Cytogenetic location: 16p13.3.
Variant type: single nucleotide variant.
Coding change: c.1733C>T on transcript NM_021098.3 (MANE Select); coding-DNA position 1733, C replaced by T.
Protein change: p.Ala578Val; replaces alanine 578 with valine.
Molecular consequence: missense variant.
Genome position (GRCh38, 1-based): chr16:1,202,183, C>T. VCF-style: chr16-1202183-C-T. GRCh37 (hg19) VCF-style: chr16-1252183-C-T.
Other names: c.1733C>T, p.Ala578Val (NM_001005407.2); short protein forms A578V.
Identifiers: ClinVar variation 1386603 (VCV001386603.8), dbSNP rs1968020467, ClinGen allele CA394162152.